The following is an entry in ClinVar:

ClinVar aggregate classification (germline): Benign (1 of 4 stars; one submission).

Conditions:
Episodic ataxia type 6. Identifiers: Orphanet 209967, MedGen C2675211, MONDO:0012982, OMIM 612656.

Allele frequency attached by ClinVar (database versions not stated): gnomAD exomes 0.00036; gnomAD 0.00228 and 0.00248; TOPMed 0.00243; 1000 Genomes Project 0.00300; 1000 Genomes Project 30x 0.00344.

Submission:

Illumina Laboratory Services, Illumina
Classification: Benign for Episodic ataxia type 6. Last evaluated: 2018-01-12. Review status: criteria provided, single submitter. Criteria: ICSL Variant Classification Criteria 13 December 2019. Collection method: clinical testing. Allele origin: germline.
Comment: This variant was observed in the ICSL laboratory as part of a predisposition screen in an ostensibly healthy population. It had not been previously curated by ICSL or reported in the Human Gene Mutation Database (HGMD: prior to June 1st, 2018), and was therefore a candidate for classification through an automated scoring system. Utilizing variant allele frequency, disease prevalence and penetrance estimates, and inheritance mode, an automated score was calculated to assess if this variant is too frequent to cause the disease. Based on the score and internal cut-off values, a variant classified as benign is not then subjected to further curation. The score for this variant resulted in a classification of benign for this disease.

NM_004172.5(SLC1A3):c.*95G>A

Genes: SLC1A3-AS1 (SLC1A3 antisense RNA 1; minus strand), SLC1A3 (solute carrier family 1 member 3; plus strand). Cytogenetic location: 5p13.2.
Variant type: single nucleotide variant.
Coding change: c.*95G>A on transcript NM_004172.5 (MANE Select); 95 bases downstream of the stop codon, G replaced by A.
Molecular consequence: 3 prime UTR variant.
Genome position (GRCh38, 1-based): chr5:36,686,364, G>A. VCF-style: chr5-36686364-G-A. GRCh37 (hg19) VCF-style: chr5-36686466-G-A.
Other names: c.*95G>A (NM_001166695.3, NM_001289939.2, NM_001289940.2).
Identifiers: ClinVar variation 353327 (VCV000353327.5), dbSNP rs143096871, ClinGen allele CA10624555.